The following is an entry in ClinVar:

ClinVar aggregate classification (germline): Likely benign (1 of 4 stars; one submission).

Submission:

CeGaT Center for Human Genetics Tuebingen
Classification: Likely benign. Last evaluated: 2025-06-01. Review status: criteria provided, single submitter. Criteria: CeGaT Center For Human Genetics Tuebingen Variant Classification Criteria Version 2. Collection method: clinical testing. Allele origin: germline. Affected: yes. Observed: 1 variant allele.
Comment: COL16A1: PM2:Supporting, BP4, BP7

NM_001856.4(COL16A1):c.3579A>C (p.Pro1193=)

Gene: COL16A1 (collagen type XVI alpha 1 chain; minus strand). Cytogenetic location: 1p35.2.
Variant type: single nucleotide variant.
Coding change: c.3579A>C on transcript NM_001856.4 (MANE Select); coding-DNA position 3579, A replaced by C.
Protein change: p.Pro1193=; no amino-acid change (proline 1193 retained).
Molecular consequence: synonymous variant.
Genome position (GRCh38, 1-based): chr1:31,662,635, T>G on the plus strand (A>C on the coding strand, the complement: COL16A1 is on the minus strand). VCF-style: chr1-31662635-T-G. GRCh37 (hg19) VCF-style: chr1-32128236-T-G.
Identifiers: ClinVar variation 3905745 (VCV003905745.10).
Genomic context (GRCh38, chr1:31,662,635, plus strand): 5'-GCACACACTCACCTGAATCCCAGGAGGTCCCGGTGGCCCAGGGGAGCCAGGCAGGCCTGA[T>G]GGGCCTCGAATCCCTTCGCTGCCCTGGAAACCAGCGCCGCCCCCCCCCCCCGCCCCACAA-3'
Protein context (NP_001847.3, residues 1183-1203): AEKGSEGIRG[Pro1193=]SGLPGSPGPP